The following is an entry in ClinVar:

NM_001134831.2(AHI1):c.3431C>T (p.Ser1144Leu)

Gene: AHI1 (Abelson helper integration site 1; minus strand). Cytogenetic location: 6q23.3.
Variant type: single nucleotide variant.
Coding change: c.3431C>T on transcript NM_001134831.2 (MANE Select); coding-DNA position 3431, C replaced by T.
Protein change: p.Ser1144Leu; replaces serine 1144 with leucine.
Molecular consequence: missense variant.
Genome position (GRCh38, 1-based): chr6:135,300,554, G>A on the plus strand (C>T on the coding strand, the complement: AHI1 is on the minus strand). VCF-style: chr6-135300554-G-A. GRCh37 (hg19) VCF-style: chr6-135621692-G-A.
Other names: c.3431C>T, p.Ser1144Leu (NM_001134830.2, NM_001350503.2, NM_001350504.2 and 1 more transcripts); short protein forms S1144L.
Identifiers: ClinVar variation 3635329 (VCV003635329.2).

ClinVar aggregate classification (germline): Uncertain significance (1 of 4 stars; one submission).

Conditions:
Joubert syndrome. Also called: CEREBELLOPARENCHYMAL DISORDER IV; JOUBERT-BOLTSHAUSER SYNDROME; Familial aplasia of the vermis. Identifiers: Orphanet 475, MedGen C5979921, MONDO:0018772.

gnomAD v4.1: 1 of 1,605,414 alleles (0.000062%); highest among the groups gnomAD compares: African/African-American, 0.0013%; no homozygotes.

Submission:

Labcorp Genetics (formerly Invitae), Labcorp
Classification: Uncertain significance for Joubert syndrome. Last evaluated: 2025-10-02. Review status: criteria provided, single submitter. Criteria: Invitae Variant Classification Sherloc (09022015). Collection method: clinical testing. Allele origin: germline.
Comment: This sequence change replaces serine, which is neutral and polar, with leucine, which is neutral and non-polar, at codon 1144 of the AHI1 protein (p.Ser1144Leu). This variant is not present in population databases (gnomAD no frequency). This variant has not been reported in the literature in individuals affected with AHI1-related conditions. ClinVar contains an entry for this variant (Variation ID: 3635329). Invitae Evidence Modeling of protein sequence and biophysical properties (such as structural, functional, and spatial information, amino acid conservation, physicochemical variation, residue mobility, and thermodynamic stability) indicates that this missense variant is expected to disrupt AHI1 protein function with a positive predictive value of 95%. In summary, the available evidence is currently insufficient to determine the role of this variant in disease. Therefore, it has been classified as a Variant of Uncertain Significance.